The following is an entry in ClinVar:

ClinVar aggregate classification (germline): Benign. Review status: criteria provided, multiple submitters, no conflicts (2 of 4 stars). 4 submissions from 4 submitters: Benign (4). Last evaluated 2024-01-24.

Conditions:
Granulomatous disease, chronic, autosomal recessive, cytochrome b-positive, type 2. Also called: GRANULOMATOUS DISEASE, CHRONIC, AUTOSOMAL RECESSIVE, 2; Chronic granulomatous disease due to deficiency of NCF-2; CGD, AUTOSOMAL RECESSIVE CYTOCHROME b-POSITIVE, TYPE II; Chronic Granulomatous Disease, Autosomal Recessive, Cytochrome b-Positive, Type II; GRANULOMATOUS DISEASE, CHRONIC, DUE TO NCF2 DEFICIENCY. Identifiers: Orphanet 379, MedGen C1856245, MONDO:0009310, OMIM 233710.

Allele frequency attached by ClinVar (database versions not stated): ESP Exome Variant Server 0.42911; gnomAD 0.45071 and 0.45428; TOPMed 0.45977; 1000 Genomes Project 30x 0.47626; 1000 Genomes Project 0.47764; ExAC 0.48322; gnomAD exomes 0.48524 and 0.49300.
gnomAD v4.1: 776,898 of 1,612,180 alleles (48%); highest among the groups gnomAD compares: East Asian, 62%; 189,860 homozygotes.

Submissions (4):

Unidad de Genómica Garrahan, Hospital de Pediatría Garrahan
Classification: Benign. Last evaluated: 2024-01-24. Review status: criteria provided, single submitter. Criteria: ACMG Guidelines, 2015. Collection method: clinical testing. Allele origin: germline. Affected: no. Observed: 78 variant alleles.
Comment: This variant is classified as Benign based on local population frequency. This variant was detected in 82% of patients studied by a panel of primary immunodeficiencies. Number of patients: 78. Only high quality variants are reported.

Genome-Nilou Lab
Classification: Benign for Granulomatous disease, chronic, autosomal recessive, cytochrome b-positive, type 2. Last evaluated: 2021-09-05. Review status: criteria provided, single submitter. Criteria: ACMG Guidelines, 2015. Collection method: clinical testing. Allele origin: germline. Affected: no.

GeneDx
Classification: Benign. Last evaluated: 2018-08-08. Review status: criteria provided, single submitter. Criteria: GeneDx Variant Classification Process June 2021. Collection method: clinical testing. Allele origin: germline. Affected: yes.

Breakthrough Genomics
Classification: Benign. Review status: criteria provided, single submitter. Criteria: ACMG Guidelines, 2015. Collection method: not provided. Allele origin: germline. Inheritance: Autosomal recessive inheritance. Affected: yes.

NM_000433.4(NCF2):c.925-21G>A

Gene: NCF2 (neutrophil cytosolic factor 2; minus strand). Cytogenetic location: 1q25.3.
Variant type: single nucleotide variant.
Coding change: c.925-21G>A on transcript NM_000433.4 (MANE Select); 21 bases into the intron before coding-DNA position 925, G replaced by A.
Molecular consequence: intron variant.
Genome position (GRCh38, 1-based): chr1:183,565,800, C>T on the plus strand (G>A on the coding strand, the complement: NCF2 is on the minus strand). VCF-style: chr1-183565800-C-T. GRCh37 (hg19) VCF-style: chr1-183534935-C-T.
Other names: c.925-21G>A (NM_001127651.3); c.682-21G>A (NM_001190789.2); c.790-21G>A (NM_001190794.2).
Identifiers: ClinVar variation 1235081 (VCV001235081.8), dbSNP rs2296164, ClinGen allele CA1284744.